The following is an entry in ClinVar:

ClinVar aggregate classification (germline): Pathogenic/Likely pathogenic. Review status: criteria provided, multiple submitters, no conflicts (2 of 4 stars). 3 submissions from 3 submitters: Pathogenic (1); Likely pathogenic (2). Last evaluated 2024-12-16.

Conditions:
Cerebrooculofacioskeletal syndrome 2 (COFS2). Identifiers: MedGen C1853102, MONDO:0012553, OMIM 610756.
Xeroderma pigmentosum, group D (XPD). Also called: XERODERMA PIGMENTOSUM, COMPLEMENTATION GROUP D; XERODERMA PIGMENTOSUM IV; XP, GROUP D; XP, GROUP H; ERCC2-Related Xeroderma Pigmentosum. Identifiers: MedGen C0268138, MONDO:0010212, OMIM 278730.
Trichothiodystrophy 1, photosensitive (TTD1). Also called: TAY SYNDROME; TRICHOTHIODYSTROPHY WITH CONGENITAL ICHTHYOSIS; PIBIDS SYNDROME. Identifiers: Orphanet 33364, MedGen C1866504, MONDO:0011125, OMIM 601675.

Allele frequency attached by ClinVar (database versions not stated): gnomAD exomes below 0.00001.

Submissions (3):

Labcorp Genetics (formerly Invitae), Labcorp
Classification: Pathogenic. Last evaluated: 2024-12-16. Review status: criteria provided, single submitter. Criteria: Invitae Variant Classification Sherloc (09022015). Collection method: clinical testing. Allele origin: germline.
Comment: This sequence change creates a premature translational stop signal (p.Cys190*) in the ERCC2 gene. It is expected to result in an absent or disrupted protein product. Loss-of-function variants in ERCC2 are known to be pathogenic (PMID: 9238033, 11335038, 19085937, 19934020). This variant is not present in population databases (gnomAD no frequency). This variant has not been reported in the literature in individuals affected with ERCC2-related conditions. ClinVar contains an entry for this variant (Variation ID: 3241396). For these reasons, this variant has been classified as Pathogenic.

Baylor Genetics
Classification: Likely pathogenic for Cerebrooculofacioskeletal syndrome 2. Last evaluated: 2024-03-19. Review status: criteria provided, single submitter. Criteria: ACMG Guidelines, 2015. Collection method: clinical testing. Allele origin: unknown.

Fulgent Genetics
Classification: Likely pathogenic for Xeroderma pigmentosum, group D; Trichothiodystrophy 1, photosensitive; Cerebrooculofacioskeletal syndrome 2. Last evaluated: 2024-02-06. Review status: criteria provided, single submitter. Criteria: ACMG Guidelines, 2015. Collection method: clinical testing. Allele origin: germline.

Literature cited by the submitters: PubMed 9238033 (cited by Labcorp Genetics (formerly Invitae), Labcorp); PubMed 11335038 (cited by Labcorp Genetics (formerly Invitae), Labcorp); PubMed 19085937 (cited by Labcorp Genetics (formerly Invitae), Labcorp); PubMed 19934020 (cited by Labcorp Genetics (formerly Invitae), Labcorp).

NM_000400.4(ERCC2):c.570C>A (p.Cys190Ter)

Gene: ERCC2 (ERCC excision repair 2, TFIIH core complex helicase subunit; minus strand). Cytogenetic location: 19q13.32.
Variant type: single nucleotide variant.
Coding change: c.570C>A on transcript NM_000400.4 (MANE Select); coding-DNA position 570, C replaced by A.
Protein change: p.Cys190Ter; replaces cysteine 190 with a stop codon.
Molecular consequence: nonsense.
Genome position (GRCh38, 1-based): chr19:45,364,862, G>T on the plus strand (C>A on the coding strand, the complement: ERCC2 is on the minus strand). VCF-style: chr19-45364862-G-T. GRCh37 (hg19) VCF-style: chr19-45868120-G-T.
Other names: c.498C>A, p.Cys166Ter (NM_001130867.2); short protein forms C166*, C190*.
Identifiers: ClinVar variation 3241396 (VCV003241396.4), dbSNP rs2514033921.